The following is an entry in ClinVar:

ClinVar aggregate classification (germline): Uncertain significance (1 of 4 stars; one submission).

Conditions:
FGFR2-related craniosynostosis. Identifiers: MedGen CN231480.

Allele frequency attached by ClinVar (database versions not stated): gnomAD 0.00001; gnomAD exomes 0.00001; TOPMed 0.00001; ESP Exome Variant Server 0.00008.
gnomAD v4.1: 13 of 1,614,052 alleles (0.00081%); highest among the groups gnomAD compares: Non-Finnish European, 0.00093%; no homozygotes.

Submission:

Labcorp Genetics (formerly Invitae), Labcorp
Classification: Uncertain significance for FGFR2-related craniosynostosis. Last evaluated: 2024-05-03. Review status: criteria provided, single submitter. Criteria: Invitae Variant Classification Sherloc (09022015). Collection method: clinical testing. Allele origin: germline.
Comment: This sequence change replaces proline, which is neutral and non-polar, with arginine, which is basic and polar, at codon 303 of the FGFR2 protein (p.Pro303Arg). This variant is present in population databases (rs374608214, gnomAD 0.002%). This variant has not been reported in the literature in individuals affected with FGFR2-related conditions. Advanced modeling of protein sequence and biophysical properties (such as structural, functional, and spatial information, amino acid conservation, physicochemical variation, residue mobility, and thermodynamic stability) performed at Invitae indicates that this missense variant is expected to disrupt FGFR2 protein function with a positive predictive value of 80%. In summary, the available evidence is currently insufficient to determine the role of this variant in disease. Therefore, it has been classified as a Variant of Uncertain Significance.

NM_000141.5(FGFR2):c.908C>G (p.Pro303Arg)

Gene: FGFR2 (fibroblast growth factor receptor 2; minus strand). Cytogenetic location: 10q26.13.
Variant type: single nucleotide variant.
Coding change: c.908C>G on transcript NM_000141.5 (MANE Select); coding-DNA position 908, C replaced by G.
Protein change: p.Pro303Arg; replaces proline 303 with arginine.
Molecular consequence: missense variant. On other transcripts: non-coding transcript variant (1), intron variant (1).
Genome position (GRCh38, 1-based): chr10:121,520,010, G>C on the plus strand (C>G on the coding strand, the complement: FGFR2 is on the minus strand). VCF-style: chr10-121520010-G-C. GRCh37 (hg19) VCF-style: chr10-123279524-G-C.
Other names: c.908C>G, p.Pro303Arg (NM_001144913.1, NM_001144917.2, NM_001320658.2 and 1 more transcripts); c.641C>G, p.Pro214Arg (NM_001144915.2, NM_001144919.2, NM_023029.3); c.563C>G, p.Pro188Arg (NM_001144916.2, NM_001144918.2); c.224C>G, p.Pro75Arg (NM_001320654.2); c.749-4691C>G (NM_001144914.1); short protein forms P214R, P75R, P188R, P303R.
Identifiers: ClinVar variation 2852948 (VCV002852948.3), dbSNP rs374608214, ClinGen allele CA214312758.
Genomic context (GRCh38, chr10:121,520,010, plus strand): 5'-GGGTACCTTTAGATTCAGAAAGTCCTCACCTTGAGAACCTTGAGGTAGGGCAGCCCGTCG[G>C]GCCCGTATTTACTGCCGTTCTTTTCCACGTGCTTGATCCACTGGATGTGGGGCTGGGCAT-3'
Protein context (NP_000132.3, residues 293-313): HVEKNGSKYG[Pro303Arg]DGLPYLKVLK